The following is an entry in ClinVar:

NM_001197104.2(KMT2A):c.1406C>T (p.Ser469Phe)

Gene: KMT2A (lysine methyltransferase 2A; plus strand). Cytogenetic location: 11q23.3.
Variant type: single nucleotide variant.
Coding change: c.1406C>T on transcript NM_001197104.2 (MANE Select); coding-DNA position 1406, C replaced by T.
Protein change: p.Ser469Phe; replaces serine 469 with phenylalanine.
Molecular consequence: missense variant.
Genome position (GRCh38, 1-based): chr11:118,472,565, C>T. VCF-style: chr11-118472565-C-T. GRCh37 (hg19) VCF-style: chr11-118343280-C-T.
Other names: c.1406C>T, p.Ser469Phe (NM_005933.4); short protein forms S469F.
Identifiers: ClinVar variation 1499911 (VCV001499911.6), dbSNP rs782264066, ClinGen allele CA6303392.

ClinVar aggregate classification (germline): Uncertain significance (1 of 4 stars; one submission).

Allele frequency attached by ClinVar (database versions not stated): gnomAD exomes below 0.00001 and 0.00002; ExAC 0.00001; TOPMed 0.00001; gnomAD 0.00002.
gnomAD v4.1: 26 of 1,612,200 alleles (0.0016%); highest among the groups gnomAD compares: South Asian, 0.0022%; no homozygotes.

Submission:

Labcorp Genetics (formerly Invitae), Labcorp
Classification: Uncertain significance. Last evaluated: 2024-06-24. Review status: criteria provided, single submitter. Criteria: Invitae Variant Classification Sherloc (09022015). Collection method: clinical testing. Allele origin: germline.
Comment: This sequence change replaces serine, which is neutral and polar, with phenylalanine, which is neutral and non-polar, at codon 469 of the KMT2A protein (p.Ser469Phe). This variant is present in population databases (rs782264066, gnomAD 0.003%). This variant has not been reported in the literature in individuals affected with KMT2A-related conditions. ClinVar contains an entry for this variant (Variation ID: 1499911). Advanced modeling of protein sequence and biophysical properties (such as structural, functional, and spatial information, amino acid conservation, physicochemical variation, residue mobility, and thermodynamic stability) has been performed at Invitae for this missense variant, however the output from this modeling did not meet the statistical confidence thresholds required to predict the impact of this variant on KMT2A protein function. In summary, the available evidence is currently insufficient to determine the role of this variant in disease. Therefore, it has been classified as a Variant of Uncertain Significance.